The following is an entry in ClinVar:

ClinVar aggregate classification (germline): Pathogenic/Likely pathogenic. Review status: criteria provided, multiple submitters, no conflicts (2 of 4 stars). 7 submissions from 7 submitters: Pathogenic (4); Likely pathogenic (1). 2 of the submissions do not count toward it. Last evaluated 2026-02-23.

Conditions:
Ehlers-Danlos syndrome, musculocontractural type 1. Identifiers: MedGen CN295219, MONDO:0020681, OMIM 601776.
Cardiovascular phenotype. Identifiers: MedGen CN230736.
Ehlers-Danlos syndrome, musculocontractural type (EDSMC). Also called: Adducted thumb, clubfoot, progressive joint and skin laxity syndrome; ARTHROGRYPOSIS, DISTAL, WITH PECULIAR FACIES AND HYDRONEPHROSIS; ADDUCTED THUMB-CLUBFOOT SYNDROME; DUNDAR SYNDROME. Identifiers: Orphanet 2953, MedGen C1866294, MONDO:0011142.

Allele frequency attached by ClinVar (database versions not stated): gnomAD 0.00001; gnomAD exomes 0.00001; ExAC 0.00002; TOPMed 0.00002; 1000 Genomes Project 30x 0.00016; 1000 Genomes Project 0.00020.

Submissions (7):

Women's Health and Genetics/Laboratory Corporation of America, LabCorp
Classification: Pathogenic for Ehlers-Danlos syndrome, musculocontractural type. Last evaluated: 2026-02-23. Review status: criteria provided, single submitter. Criteria: LabCorp Variant Classification Summary - May 2015. Collection method: clinical testing. Allele origin: germline.
Comment: Variant summary: CHST14 c.878A>G (p.Tyr293Cys) results in a non-conservative amino acid change in the encoded protein sequence. Algorithms developed to predict the effect of missense changes on protein structure and function all suggest that this variant is likely to be disruptive. The variant allele was found at a frequency of 1.2e-05 in 251456 control chromosomes. c.878A>G has been observed in multiple individuals affected with Ehlers-Danlos syndrome, musculocontractural type and related conditions (Dundar_2009, Miyake_2010, Sonoda_2000). These data indicate that the variant is very likely to be associated with disease. To our knowledge, no experimental evidence demonstrating an impact on protein function has been reported. The following publications have been ascertained in the context of this evaluation (PMID: 20004762, 20533528, 10766984). ClinVar contains an entry for this variant (Variation ID: 2339). Based on the evidence outlined above, the variant was classified as pathogenic.

Labcorp Genetics (formerly Invitae), Labcorp
Classification: Pathogenic for Ehlers-Danlos syndrome, musculocontractural type. Last evaluated: 2025-11-06. Review status: criteria provided, single submitter. Criteria: Invitae Variant Classification Sherloc (09022015). Collection method: clinical testing. Allele origin: germline.
Comment: This sequence change replaces tyrosine, which is neutral and polar, with cysteine, which is neutral and slightly polar, at codon 293 of the CHST14 protein (p.Tyr293Cys). This variant is present in population databases (rs121908258, gnomAD 0.007%). This missense change has been observed in individual(s) with clinical features of autosomal recessive CHST14-related conditions (PMID: 10766984, 20004762, 20533528, 21744491). In at least one individual the data is consistent with being in trans (on the opposite chromosome) from a pathogenic variant. ClinVar contains an entry for this variant (Variation ID: 2339). Invitae Evidence Modeling of protein sequence and biophysical properties (such as structural, functional, and spatial information, amino acid conservation, physicochemical variation, residue mobility, and thermodynamic stability) indicates that this missense variant is expected to disrupt CHST14 protein function with a positive predictive value of 80%. Experimental studies have shown that this missense change affects CHST14 function (PMID: 20004762). For these reasons, this variant has been classified as Pathogenic.

3billion
Classification: Pathogenic for Ehlers-Danlos syndrome, musculocontractural type 1. Last evaluated: 2024-06-05. Review status: criteria provided, single submitter. Criteria: ACMG Guidelines, 2015. Collection method: clinical testing. Allele origin: germline. Affected: yes.
Comment: The variant is observed at an extremely low frequency in the gnomAD v4.0.0 dataset (total allele frequency: 0.001%). Predicted Consequence/Location: Missense variant In silico tool predictions suggest damaging effect of the variant on gene or gene product [REVEL: 0.90 (>=0.6, sensitivity 0.68 and specificity 0.92)]. The same nucleotide change resulting in the same amino acid change has been previously reported as pathogenic/likely pathogenic with strong evidence (ClinVar ID: VCV000002339 /PMID: 20004762). The variant has been reported to be in trans with a pathogenic variant as either compound heterozygous or homozygous in at least 2 similarly affected unrelated individuals (PMID: 20004762, 20533528, 21744491). Therefore, this variant is classified as Pathogenic according to the recommendation of ACMG/AMP guideline.

Ambry Genetics
Classification: Pathogenic for Cardiovascular phenotype. Last evaluated: 2020-06-12. Review status: criteria provided, single submitter. Criteria: Ambry Variant Classification Scheme 2023. Collection method: clinical testing. Allele origin: germline.
Comment: The p.Y293C pathogenic mutation (also known as c.878A>G), located in coding exon 1 of the CHST14 gene, results from an A to G substitution at nucleotide position 878. The tyrosine at codon 293 is replaced by cysteine, an amino acid with highly dissimilar properties. This variant has been identified as homozygous or compound heterozygous in multiple individuals with dermatan 4-O-sulfotransferase 1 deficient Ehlers-Danlos Syndrome (D4ST1-deficient EDS) (D&uuml;ndar M et al. Am. J. Hum. Genet., 2009 Dec;85:873-82; Miyake N et al. Hum. Mutat., 2010 Aug;31:966-74; Shimizu K et al. Am. J. Med. Genet. A, 2011 Aug;155A:1949-58). A functional study shows that this variant causes reduced sulfotransferase activity in transfected cells (Miyake N et al. Hum. Mutat., 2010 Aug;31:966-74). Based on the supporting evidence, this alteration is interpreted as a disease-causing mutation.

GeneDx
Classification: Likely pathogenic. Last evaluated: 2017-10-04. Review status: criteria provided, single submitter. Criteria: GeneDx Variant Classification (06012015). Collection method: clinical testing. Allele origin: germline. Affected: yes.
Comment: The Y293C likely pathogenic variant in the CHST14 gene has been reported in the homozygous state in a patient with adducted thumb-clubfoot syndrome (Dundar et al., 2009). This variant has also been reported a patient with dermatan 4-O-sulfotransferase 1 deficiency who also harbored an additional CHST14 variant in trans (Shimizu et al., 2011). This variant is not observed at a significant frequency in large population cohorts (Lek et al., 2016). The Y293C variant is a non-conservative amino acid substitution, which is likely to impact secondary protein structure as these residues differ in polarity, charge, size and/or other properties. This substitution occurs at a position that is conserved across species, and in silico analysis predicts this variant is probably damaging to the protein structure/function. Finally, functional studies demonstrate that this variant leads to decreased sulfotransferase activity (Miyake et al., 2010).

OMIM
Classification: Pathogenic for EHLERS-DANLOS SYNDROME, MUSCULOCONTRACTURAL TYPE, 1. Last evaluated: 2010-08-01. Review status: no assertion criteria provided. Collection method: literature only. Allele origin: germline. Not counted in ClinVar's aggregate classification.

UniProtKB/Swiss-Prot
No classification provided. Condition: Ehlers-Danlos syndrome, musculocontractural type. Review status: no classification provided. Collection method: not provided. Allele origin: not provided. Not counted in ClinVar's aggregate classification.

Literature cited by the submitters: PubMed 20533528 (cited by 5 submitters); PubMed 20004762 (cited by 5 submitters); PubMed 10766984 (cited by 3 submitters); PubMed 21744491 (cited by 3 submitters).

NM_130468.4(CHST14):c.878A>G (p.Tyr293Cys)

Gene: CHST14 (carbohydrate sulfotransferase 14; plus strand). Cytogenetic location: 15q15.1.
Variant type: single nucleotide variant.
Coding change: c.878A>G on transcript NM_130468.4 (MANE Select); coding-DNA position 878, A replaced by G.
Protein change: p.Tyr293Cys; replaces tyrosine 293 with cysteine.
Molecular consequence: missense variant.
Genome position (GRCh38, 1-based): chr15:40,472,091, A>G. VCF-style: chr15-40472091-A-G. GRCh37 (hg19) VCF-style: chr15-40764290-A-G.
Other names: short protein forms Y293C.
Identifiers: ClinVar variation 2339 (VCV000002339.12), dbSNP rs121908258, ClinGen allele CA281524.